The following is an entry in ClinVar:

ClinVar aggregate classification (germline): Conflicting classifications of pathogenicity. Review status: criteria provided, conflicting classifications (1 of 4 stars). 5 submissions from 5 submitters: Uncertain significance (4); Likely benign (1). Last evaluated 2026-01-27.

Conditions:
Inborn genetic diseases. Identifiers: MedGen C0950123, MeSH D030342.
Glycine encephalopathy. Also called: Nonketotic hyperglycinemia; Non-ketotic hyperglycinemia. Identifiers: Orphanet 407, MedGen C0751748, MONDO:0011612, HP:0008288.

Allele frequency attached by ClinVar (database versions not stated): gnomAD exomes 0.00003 and 0.00008; 1000 Genomes Project 30x 0.00016; ExAC 0.00018; TOPMed 0.00035; gnomAD 0.00041 and 0.00044.
gnomAD v4.1: 106 of 1,566,264 alleles (0.0068%); highest among the groups gnomAD compares: African/African-American, 0.13%; no homozygotes.

Submissions (5):

Labcorp Genetics (formerly Invitae), Labcorp
Classification: Likely benign for Glycine encephalopathy. Last evaluated: 2026-01-27. Review status: criteria provided, single submitter. Criteria: Invitae Variant Classification Sherloc (09022015). Collection method: clinical testing. Allele origin: germline.

GeneDx
Classification: Uncertain significance. Last evaluated: 2025-04-16. Review status: criteria provided, single submitter. Criteria: GeneDx Variant Classification Process June 2021. Collection method: clinical testing. Allele origin: germline. Affected: yes.
Comment: In silico analysis indicates that this missense variant does not alter protein structure/function; Has not been previously published as pathogenic or benign to our knowledge

Women's Health and Genetics/Laboratory Corporation of America, LabCorp
Classification: Uncertain significance. Last evaluated: 2025-02-19. Review status: criteria provided, single submitter. Criteria: LabCorp Variant Classification Summary - May 2015. Collection method: clinical testing. Allele origin: germline.
Comment: Variant summary: GLDC c.166C>T (p.Leu56Phe) results in a non-conservative amino acid change in the encoded protein sequence. Four of five in-silico tools predict a damaging effect of the variant on protein function. The variant allele was found at a frequency of 7.9e-05 in 165518 control chromosomes. This frequency is not significantly higher than estimated for a pathogenic variant in GLDC causing Glycine Encephalopathy (Non-Ketotic Hyperglycinemia) (7.9e-05 vs 0.0031), allowing no conclusion about variant significance. To our knowledge, no occurrence of c.166C>T in individuals affected with Glycine Encephalopathy (Non-Ketotic Hyperglycinemia) and no experimental evidence demonstrating its impact on protein function have been reported. ClinVar contains an entry for this variant (Variation ID: 1561842). Based on the evidence outlined above, the variant was classified as uncertain significance.

Ambry Genetics
Classification: Uncertain significance for Inborn genetic diseases. Last evaluated: 2023-03-08. Review status: criteria provided, single submitter. Criteria: Ambry Variant Classification Scheme 2023. Collection method: clinical testing. Allele origin: germline.

Blueprint Genetics
Classification: Uncertain significance. Last evaluated: 2021-12-23. Review status: criteria provided, single submitter. Criteria: ACMG Guidelines, 2015. Collection method: clinical testing. Allele origin: germline.

NM_000170.3(GLDC):c.166C>T (p.Leu56Phe)

Gene: GLDC (glycine decarboxylase; minus strand). Cytogenetic location: 9p24.1.
Variant type: single nucleotide variant.
Coding change: c.166C>T on transcript NM_000170.3 (MANE Select); coding-DNA position 166, C replaced by T.
Protein change: p.Leu56Phe; replaces leucine 56 with phenylalanine.
Molecular consequence: missense variant.
Genome position (GRCh38, 1-based): chr9:6,645,334, G>A on the plus strand (C>T on the coding strand, the complement: GLDC is on the minus strand). VCF-style: chr9-6645334-G-A. GRCh37 (hg19) VCF-style: chr9-6645334-G-A.
Other names: short protein forms L56F.
Identifiers: ClinVar variation 1561842 (VCV001561842.14), dbSNP rs374342418, ClinGen allele CA4981281.